The following is an entry in ClinVar:

ClinVar aggregate classification (germline): Uncertain significance. Review status: criteria provided, multiple submitters, no conflicts (2 of 4 stars). 3 submissions from 3 submitters: Uncertain significance (3). Last evaluated 2024-09-02.

Conditions:
TP63-Related Spectrum Disorders.
Inborn genetic diseases. Identifiers: MedGen C0950123, MeSH D030342.
Ankyloblepharon-ectodermal defects-cleft lip/palate syndrome. Also called: Ankyloblepharon-ectodermal defects, cleft lip/palate; Hay-Wells syndrome of ectodermal dysplasia; AEC SYNDROME; Ankyloblepharon-Ectodermal Defects-Cleft Lip/Palate Syndrome (AEC Syndrome); HAY-WELLS SYNDROME. Identifiers: Orphanet 1071, MedGen C0406709, MONDO:0007124, OMIM 106260.
Rapp-Hodgkin syndrome (RHS). Also called: ECTODERMAL DYSPLASIA, ANHIDROTIC, WITH CLEFT LIP/PALATE; Rapp-Hodgkin ectodermal dysplasia syndrome; Isolated Cleft Lip/Cleft Palate (Orofacial Cleft 8). Identifiers: MedGen C1785148, MONDO:0007508, OMIM 129400.
Limb-mammary syndrome (LMS). Also called: Mammary hypoplasia, ectrodactyly, and other hand/foot anomalies. Identifiers: Orphanet 69085, MedGen C1863753, MONDO:0011334, OMIM 603543.
Ectrodactyly, ectodermal dysplasia, and cleft lip-palate syndrome 3. Also called: Ectrodactyly, Ectodermal Dysplasia, Cleft Lip/Palate Syndrome 3 (EEC3); Ectrodactyly, Ectodermal Dysplasia, Clefting Syndrome; EEC SYNDROME 3; Ectrodactyly, Ectodermal Dysplasia, Clefting Syndrome Type 3 (EEC3). Identifiers: Orphanet 1896, MedGen C1858562, MONDO:0011428, OMIM 604292.
Premature ovarian failure 21 (POF21). Identifiers: MedGen C5830399, MONDO:0957216, OMIM 620311.
ADULT syndrome. Also called: ACRO-DERMATO-UNGUAL-LACRIMAL-TOOTH SYNDROME; Acro-dermato-ungual-lacrimal-tooth (adult) syndrome; Acro-Dermo-Ungual-Lacrimal-Tooth Syndrome (ADULT Syndrome). Identifiers: Orphanet 978, MedGen C1863204, MONDO:0007072, OMIM 103285.
Split hand-foot malformation 4. Also called: Split-Hand/Foot Malformation Type 4 (SHFM4); Split-Hand/Foot Malformation Type 4 (SHFM4 syndrome). Identifiers: Orphanet 2440, MedGen C1854442, MONDO:0011535, OMIM 605289.

gnomAD v4.1: 1 of 1,613,980 alleles (0.000062%); no homozygotes.

Submissions (3):

Ambry Genetics
Classification: Uncertain significance for Inborn genetic diseases. Last evaluated: 2024-09-02. Review status: criteria provided, single submitter. Criteria: Ambry Variant Classification Scheme 2023. Collection method: clinical testing. Allele origin: germline.

Labcorp Genetics (formerly Invitae), Labcorp
Classification: Uncertain significance. Last evaluated: 2023-11-10. Review status: criteria provided, single submitter. Criteria: Invitae Variant Classification Sherloc (09022015). Collection method: clinical testing. Allele origin: germline.
Comment: This sequence change replaces threonine, which is neutral and polar, with serine, which is neutral and polar, at codon 633 of the TP63 protein (p.Thr633Ser). This variant is not present in population databases (gnomAD no frequency). This variant has not been reported in the literature in individuals affected with TP63-related conditions. Advanced modeling of protein sequence and biophysical properties (such as structural, functional, and spatial information, amino acid conservation, physicochemical variation, residue mobility, and thermodynamic stability) has been performed at Invitae for this missense variant, however the output from this modeling did not meet the statistical confidence thresholds required to predict the impact of this variant on TP63 protein function. In summary, the available evidence is currently insufficient to determine the role of this variant in disease. Therefore, it has been classified as a Variant of Uncertain Significance.

Department of Pathology and Laboratory Medicine, Sinai Health System
Classification: Uncertain significance for ADULT syndrome; Ankyloblepharon-ectodermal defects-cleft lip/palate syndrome; Rapp-Hodgkin syndrome; Limb-mammary syndrome; Ectrodactyly, ectodermal dysplasia, and cleft lip-palate syndrome 3; Split hand-foot malformation 4; Premature ovarian failure 21. Last evaluated: 2020-08-07. Review status: criteria provided, single submitter. Criteria: ACMG Guidelines, 2015. Collection method: research. Allele origin: germline.

NM_003722.5(TP63):c.1898C>G (p.Thr633Ser)

Gene: TP63 (tumor protein p63; plus strand). Cytogenetic location: 3q28.
Variant type: single nucleotide variant.
Coding change: c.1898C>G on transcript NM_003722.5 (MANE Select); coding-DNA position 1898, C replaced by G.
Protein change: p.Thr633Ser; replaces threonine 633 with serine.
Molecular consequence: missense variant. On other transcripts: 3 prime UTR variant (6).
Genome position (GRCh38, 1-based): chr3:189,894,357, C>G. VCF-style: chr3-189894357-C-G. GRCh37 (hg19) VCF-style: chr3-189612146-C-G.
Other names: c.*136C>G (NM_001114978.2, NM_001114981.2); c.1616C>G, p.Thr539Ser (NM_001114980.2); c.1898C>G (NM_003722.4); c.*126C>G (NM_001329144.2, NM_001329145.2, NM_001329149.2 and 1 more transcripts); c.1361C>G, p.Thr454Ser (NM_001329146.2); c.1886C>G, p.Thr629Ser (NM_001329148.2); c.1892C>G, p.Thr631Ser (NM_001329964.2); short protein forms T454S, T539S, T629S, T631S, T633S.
Identifiers: ClinVar variation 2915115 (VCV002915115.4), dbSNP rs1411272519, ClinGen allele CA355751434.